The following is an entry in ClinVar:

ClinVar aggregate classification (germline): Uncertain significance (1 of 4 stars; one submission).

Conditions:
PCNT-related disorder. Also called: PCNT-related condition.

gnomAD v4.1: 3 of 1,614,106 alleles (0.00019%); highest among the groups gnomAD compares: Non-Finnish European, 0.00025%; no homozygotes.

Submission:

PreventionGenetics, part of Exact Sciences
Classification: Uncertain significance for PCNT-related condition. Last evaluated: 2025-06-20. Review status: criteria provided, single submitter. Criteria: ACMG Guidelines, 2015. Collection method: clinical testing. Allele origin: germline.
Comment: The PCNT c.3193G>C variant is predicted to result in the amino acid substitution p.Ala1065Pro. To our knowledge, this variant has not been reported in the literature or in a large population database (gnomAD), indicating this variant is rare. At this time, the clinical significance of this variant is uncertain due to the absence of conclusive functional and genetic evidence.

NM_006031.6(PCNT):c.3193G>C (p.Ala1065Pro)

Gene: PCNT (pericentrin; plus strand). Cytogenetic location: 21q22.3.
Variant type: single nucleotide variant.
Coding change: c.3193G>C on transcript NM_006031.6 (MANE Select); coding-DNA position 3193, G replaced by C.
Protein change: p.Ala1065Pro; replaces alanine 1065 with proline.
Molecular consequence: missense variant.
Genome position (GRCh38, 1-based): chr21:46,381,721, G>C. VCF-style: chr21-46381721-G-C. GRCh37 (hg19) VCF-style: chr21-47801636-G-C.
Other names: c.2839G>C, p.Ala947Pro (NM_001315529.2); short protein forms A947P, A1065P.
Identifiers: ClinVar variation 4999737 (VCV004999737.1).